The following is an entry in ClinVar:

ClinVar aggregate classification (germline): Uncertain significance (1 of 4 stars; one submission).

Conditions:
CREBBP-related disorder. Also called: CREBBP-related condition; CREBBP-related disorders.

Submission:

PreventionGenetics, part of Exact Sciences
Classification: Uncertain significance for CREBBP-related condition. Last evaluated: 2025-03-30. Review status: criteria provided, single submitter. Criteria: ACMG Guidelines, 2015. Collection method: clinical testing. Allele origin: germline.
Comment: The CREBBP c.5204C>A variant is predicted to result in the amino acid substitution p.Thr1735Lys. To our knowledge, this variant has not been reported in the literature or in a large population database (gnomAD), indicating this variant is rare. At this time, the clinical significance of this variant is uncertain due to the absence of conclusive functional and genetic evidence.

NM_004380.3(CREBBP):c.5204C>A (p.Thr1735Lys)

Gene: CREBBP (CREB binding lysine acetyltransferase; minus strand). Cytogenetic location: 16p13.3.
Variant type: single nucleotide variant.
Coding change: c.5204C>A on transcript NM_004380.3 (MANE Select); coding-DNA position 5204, C replaced by A.
Protein change: p.Thr1735Lys; replaces threonine 1735 with lysine.
Molecular consequence: missense variant.
Genome position (GRCh38, 1-based): chr16:3,729,843, G>T on the plus strand (C>A on the coding strand, the complement: CREBBP is on the minus strand). VCF-style: chr16-3729843-G-T. GRCh37 (hg19) VCF-style: chr16-3779844-G-T.
Other names: c.5090C>A, p.Thr1697Lys (NM_001079846.1); short protein forms T1697K, T1735K.
Identifiers: ClinVar variation 4983905 (VCV004983905.1).
Genomic context (GRCh38, chr16:3,729,843, plus strand): 5'-CTGCTGCCCTCGTCATCCAGGCCCAGCCCCCACTTCACCATCTTATGGGCATGGCTCTTC[G>T]TGTTATAGCAGTTGATGCAGAGGTCGTAGTCCTGCAAGCAAGGAAAGGGGACAGGCCGGT-3'
Protein context (NP_004371.2, residues 1725-1745): DYDLCINCYN[Thr1735Lys]KSHAHKMVKW